The following is an entry in ClinVar:

ClinVar aggregate classification (germline): Pathogenic. Review status: criteria provided, multiple submitters, no conflicts (2 of 4 stars). 2 submissions from 2 submitters: Pathogenic (2). Last evaluated 2023-08-10.

Conditions:
Lynch syndrome 5 (LYNCH5). Also called: Colorectal cancer, hereditary nonpolyposis, type 5; Hereditary non-polyposis colorectal cancer, type 5. Identifiers: Orphanet 144, MedGen C1833477, MONDO:0013710, OMIM 614350. Disease mechanism: loss of function.

Submissions (2):

Myriad Genetics, Inc.
Classification: Pathogenic for Lynch syndrome 5. Last evaluated: 2023-08-10. Review status: criteria provided, single submitter. Criteria: Myriad Autosomal Dominant, Autosomal Recessive and X-Linked Classification Criteria (2023). Collection method: clinical testing. Allele origin: unknown.
Comment: This variant is considered pathogenic. This variant creates a frameshift predicted to result in premature protein truncation.

GeneDx
Classification: Pathogenic. Last evaluated: 2018-04-30. Review status: criteria provided, single submitter. Criteria: GeneDx Variant Classification (06012015). Collection method: clinical testing. Allele origin: germline. Affected: yes.
Comment: This combined deletion and insertion is denoted MSH6 c.663_667delAGATAinsTAC at the cDNA level and p.Glu221AspfsX3 (E221DfsX3) at the protein level. The surrounding sequence is AAGA[delAGATA][insTAC]ATGA. The variant causes a frameshift which changes a Glutamic Acid to an Aspartic Acid at codon 221, and creates a premature stop codon at position 3 of the new reading frame. Although this variant has not, to our knowledge, been reported in the literature, it is predicted to cause loss of normal protein function through either protein truncation or nonsense-mediated mRNA decay. Based on currently available evidence, we consider this variant to be pathogenic.

NM_000179.3(MSH6):c.663_667delinsTAC (p.Glu221fs)

Gene: MSH6 (mutS homolog 6; plus strand). Cytogenetic location: 2p16.3.
Variant type: Indel.
Coding change: c.663_667delinsTAC on transcript NM_000179.3 (MANE Select); coding-DNA positions 663 to 667, AGATA replaced by TAC.
Protein change: p.Glu221fs; shifts the reading frame from glutamic acid 221.
Molecular consequence: frameshift variant. On other transcripts: 5 prime UTR variant (2).
Genome position (GRCh38, 1-based): chr2:47,798,646-47,798,650, AGATA replaced by TAC. VCF-style: chr2-47798646-AGATA-TAC. GRCh37 (hg19) VCF-style: chr2-48025785-AGATA-TAC.
Other names: c.273_277delinsTAC, p.Glu91fs (NM_001281492.2); c.-244_-240delinsTAC (NM_001281493.2, NM_001281494.2); c.663_667delAGATAinsTAC (NM_000179.2); short protein forms E221fs, E91fs.
Identifiers: ClinVar variation 545921 (VCV000545921.3), dbSNP rs1553412090, ClinGen allele CA658823256.